The following is an entry in ClinVar:

ClinVar aggregate classification (germline): Uncertain significance. Review status: criteria provided, multiple submitters, no conflicts (2 of 4 stars). 3 submissions from 3 submitters: Uncertain significance (3). Last evaluated 2024-09-17.

Conditions:
HOXA1-related syndrome. Also called: HOXA1-related disorder; Human HOXA1 syndromes; HOXA1-Related Disorders; HOXA1-related condition. Identifiers: MedGen CN381531, MONDO:0011099.
Inborn genetic diseases. Identifiers: MedGen C0950123, MeSH D030342.

Allele frequency attached by ClinVar (database versions not stated): TOPMed 0.00001; gnomAD exomes 0.00002 and 0.00004; ExAC 0.00004.

Submissions (3):

Blueprint Genetics
Classification: Uncertain significance. Last evaluated: 2024-09-17. Review status: criteria provided, single submitter. Criteria: ACMG Guidelines, 2015. Collection method: clinical testing. Allele origin: germline.

PreventionGenetics, part of Exact Sciences
Classification: Uncertain significance for HOXA1-related condition. Last evaluated: 2023-10-10. Review status: criteria provided, single submitter. Criteria: ACMG Guidelines, 2015. Collection method: clinical testing. Allele origin: germline.
Comment: The HOXA1 c.778G>A variant is predicted to result in the amino acid substitution p.Val260Met. To our knowledge, this variant has not been reported in the literature. This variant is reported in 0.020% of alleles in individuals of South Asian descent in gnomAD. At this time, the clinical significance of this variant is uncertain due to the absence of conclusive functional and genetic evidence.

Ambry Genetics
Classification: Uncertain significance for Inborn genetic diseases. Last evaluated: 2017-01-04. Review status: criteria provided, single submitter. Criteria: Ambry Variant Classification Scheme 2023. Collection method: clinical testing. Allele origin: germline.
Comment: The p.V260M variant (also known as c.778G>A), located in coding exon 2 of the HOXA1 gene, results from a G to A substitution at nucleotide position 778. The valine at codon 260 is replaced by methionine, an amino acid with highly similar properties. This amino acid position is highly conserved in available vertebrate species. In addition, this alteration is predicted to be deleterious by in silico analysis. Since supporting evidence is limited at this time, the clinical significance of this variant remains unclear.

NM_005522.5(HOXA1):c.778G>A (p.Val260Met)

Gene: HOXA1 (homeobox A1; minus strand). Cytogenetic location: 7p15.2.
Variant type: single nucleotide variant.
Coding change: c.778G>A on transcript NM_005522.5 (MANE Select); coding-DNA position 778, G replaced by A.
Protein change: p.Val260Met; replaces valine 260 with methionine.
Molecular consequence: missense variant. On other transcripts: 3 prime UTR variant (1).
Genome position (GRCh38, 1-based): chr7:27,094,670, C>T on the plus strand (G>A on the coding strand, the complement: HOXA1 is on the minus strand). VCF-style: chr7-27094670-C-T. GRCh37 (hg19) VCF-style: chr7-27134289-C-T.
Other names: c.*161G>A (NM_153620.3); short protein forms V260M.
Identifiers: ClinVar variation 588637 (VCV000588637.7), dbSNP rs200421049, ClinGen allele CA4195847.
Genomic context (GRCh38, chr7:27,094,670, plus strand): 5'-GGTTCTGGAACCAGATCTTCACTTGGGTCTCGTTGAGCTGCAGGGATGCAGCGATCTCCA[C>T]CCTGCGGGCGCGCGTCAGGTACTTGTTGAAGTGGAACTCCTTCTCCAGTTCCGTGAGCTG-3'
Protein context (NP_005513.2, residues 250-270): FNKYLTRARR[Val260Met]EIAASLQLNE